The following is an entry in ClinVar:

NM_001360.3(DHCR7):c.1365C>A (p.Tyr455Ter)

Gene: DHCR7 (7-dehydrocholesterol reductase; minus strand). Cytogenetic location: 11q13.4.
Variant type: single nucleotide variant.
Coding change: c.1365C>A on transcript NM_001360.3 (MANE Select); coding-DNA position 1365, C replaced by A.
Protein change: p.Tyr455Ter; replaces tyrosine 455 with a stop codon.
Molecular consequence: nonsense.
Genome position (GRCh38, 1-based): chr11:71,435,438, G>T on the plus strand (C>A on the coding strand, the complement: DHCR7 is on the minus strand). VCF-style: chr11-71435438-G-T. GRCh37 (hg19) VCF-style: chr11-71146484-G-T.
Other names: c.1365C>A, p.Tyr455Ter (NM_001163817.2, NM_001425109.1, NM_001425110.1); c.1416C>A, p.Tyr472Ter (NM_001425107.1); c.1401C>A, p.Tyr467Ter (NM_001425108.1); c.*128C>A (NM_001425112.1, NM_001425116.1); c.1305C>A, p.Tyr435Ter (NM_001425113.1); c.1269C>A, p.Tyr423Ter (NM_001425114.1); c.1191C>A, p.Tyr397Ter (NM_001425117.1); c.*487C>A (NM_001425119.1); short protein forms Y467*, Y397*, Y435*, Y423*, Y472*, Y455*.
Identifiers: ClinVar variation 2765084 (VCV002765084.3), dbSNP rs557097410, ClinGen allele CA381700622.

ClinVar aggregate classification (germline): Pathogenic (1 of 4 stars; one submission).

Conditions:
Smith-Lemli-Opitz syndrome (SLOS). Also called: LETHAL ACRODYSGENITAL SYNDROME; POLYDACTYLY, SEX REVERSAL, RENAL HYPOPLASIA, AND UNILOBAR LUNG; RSH SYNDROME; RUTLEDGE LETHAL MULTIPLE CONGENITAL ANOMALY SYNDROME; 7-Dehydrocholesterol reductase deficiency. Identifiers: Orphanet 818, MedGen C0175694, MONDO:0010035, OMIM 270400.

Submission:

Labcorp Genetics (formerly Invitae), Labcorp
Classification: Pathogenic for Smith-Lemli-Opitz syndrome. Last evaluated: 2023-10-04. Review status: criteria provided, single submitter. Criteria: Invitae Variant Classification Sherloc (09022015). Collection method: clinical testing. Allele origin: germline.
Comment: This sequence change creates a premature translational stop signal (p.Tyr455*) in the DHCR7 gene. While this is not anticipated to result in nonsense mediated decay, it is expected to disrupt the last 21 amino acid(s) of the DHCR7 protein. This variant is not present in population databases (gnomAD no frequency). This variant has not been reported in the literature in individuals affected with DHCR7-related conditions. This variant disrupts a region of the DHCR7 protein in which other variant(s) (p.Val466Met) have been determined to be pathogenic (PMID: 21990131, 22391996, 23042628). This suggests that this is a clinically significant region of the protein, and that variants that disrupt it are likely to be disease-causing. For these reasons, this variant has been classified as Pathogenic.

Literature cited by the submitters: PubMed 21990131; PubMed 22391996; PubMed 23042628.